The following is an entry in ClinVar:

ClinVar aggregate classification (germline): Benign/Likely benign. Review status: criteria provided, multiple submitters, no conflicts (2 of 4 stars). 5 submissions from 5 submitters: Benign (1); Likely benign (3). 1 of the submissions does not count toward it. Last evaluated 2026-02-01.

Conditions:
Glycogen storage disease, type II (IOPD). Also called: POMPE DISEASE, INFANTILE-ONSET; GLYCOGEN STORAGE DISEASE II, INFANTILE-ONSET; ACID ALPHA-GLUCOSIDASE DEFICIENCY, INFANTILE-ONSET; GAA DEFICIENCY, INFANTILE-ONSET; ACID MALTASE DEFICIENCY, INFANTILE-ONSET; CARDIOMEGALIA GLYCOGENICA DIFFUSA. Identifiers: Orphanet 365, MedGen C0017921, MONDO:0009290, OMIM 232300.

Allele frequency attached by ClinVar (database versions not stated): 1000 Genomes Project 30x 0.00047; 1000 Genomes Project 0.00060; TOPMed 0.00075; ESP Exome Variant Server 0.00085; gnomAD exomes 0.00118 and 0.00127; ExAC 0.00137; gnomAD 0.00143 and 0.00147.
gnomAD v4.1: 1,991 of 1,580,398 alleles (0.13%); highest among the groups gnomAD compares: Non-Finnish European, 0.13%; 2 homozygotes.

Submissions (5):

Labcorp Genetics (formerly Invitae), Labcorp
Classification: Benign for Glycogen storage disease, type II. Last evaluated: 2026-02-01. Review status: criteria provided, single submitter. Criteria: Invitae Variant Classification Sherloc (09022015). Collection method: clinical testing. Allele origin: germline.

ARUP Laboratories, Molecular Genetics and Genomics, ARUP Laboratories
Classification: Likely benign for Glycogen storage disease, type II. Last evaluated: 2025-03-13. Review status: criteria provided, single submitter. Criteria: ARUP Molecular Germline Variant Investigation Process 2024. Collection method: clinical testing. Allele origin: germline.

Blueprint Genetics
Classification: Likely benign. Last evaluated: 2024-11-22. Review status: criteria provided, single submitter. Criteria: ACMG Guidelines, 2015. Collection method: clinical testing. Allele origin: germline.

GeneDx
Classification: Likely benign. Last evaluated: 2017-08-16. Review status: criteria provided, single submitter. Criteria: GeneDx Variant Classification (06012015). Collection method: clinical testing. Allele origin: germline. Affected: yes.
Comment: This variant is considered likely benign or benign based on one or more of the following criteria: it is a conservative change, it occurs at a poorly conserved position in the protein, it is predicted to be benign by multiple in silico algorithms, and/or has population frequency not consistent with disease.

Mayo Clinic Laboratories, Mayo Clinic
Classification: Likely benign. Last evaluated: 2017-09-27. Review status: no assertion criteria provided. Collection method: clinical testing. Allele origin: unknown. Not counted in ClinVar's aggregate classification.

NM_000152.5(GAA):c.692+17G>C

Gene: GAA (alpha glucosidase; plus strand). Cytogenetic location: 17q25.3.
Variant type: single nucleotide variant.
Coding change: c.692+17G>C on transcript NM_000152.5 (MANE Select); 17 bases into the intron after coding-DNA position 692, G replaced by C.
Molecular consequence: intron variant.
Genome position (GRCh38, 1-based): chr17:80,105,911, G>C. VCF-style: chr17-80105911-G-C. GRCh37 (hg19) VCF-style: chr17-78079710-G-C.
Other names: c.692+17G>C (LRG_673t1, NM_001079803.3, NM_001079804.3).
Identifiers: ClinVar variation 506761 (VCV000506761.25), dbSNP rs199559553, ClinGen allele CA8814969.
Genomic context (GRCh38, chr17:80,105,911, plus strand): 5'-CCCTTCGGGGTGATCGTGCGCCGGCAGCTGGACGGCCGCGTGCTGTGAGTTCTGGGCTCT[G>C]TGCCAGCATGATGGGGAGGGCGACGCGCATTTCTCACACGGCAGGGAGGGCCACACGCGT-3'